The following is an entry in ClinVar:

ClinVar aggregate classification (germline): Uncertain significance (1 of 4 stars; one submission).

gnomAD v4.1: 6 of 1,594,856 alleles (0.00038%); highest among the groups gnomAD compares: South Asian, 0.0011%; no homozygotes.

Submission:

GeneDx
Classification: Uncertain significance. Last evaluated: 2022-08-20. Review status: criteria provided, single submitter. Criteria: GeneDx Variant Classification Process June 2021. Collection method: clinical testing. Allele origin: germline. Affected: yes.
Comment: Not observed at significant frequency in large population cohorts (gnomAD); In silico analysis supports that this missense variant does not alter protein structure/function; Has not been previously published as pathogenic or benign to our knowledge

NM_017872.5(THG1L):c.10G>A (p.Ala4Thr)

Genes: THG1L (tRNA-histidine guanylyltransferase 1 like; plus strand), LOC129995144 (ATAC-STARR-seq lymphoblastoid active region 23531; plus strand). Cytogenetic location: 5q33.3.
Variant type: single nucleotide variant.
Coding change: c.10G>A on transcript NM_017872.5 (MANE Select); coding-DNA position 10, G replaced by A.
Protein change: p.Ala4Thr; replaces alanine 4 with threonine.
Molecular consequence: missense variant. On other transcripts: 5 prime UTR variant (2).
Genome position (GRCh38, 1-based): chr5:157,731,450, G>A. VCF-style: chr5-157731450-G-A. GRCh37 (hg19) VCF-style: chr5-157158458-G-A.
Other names: c.-292G>A (NM_001317824.2); c.-362G>A (NM_001317825.2); short protein forms A4T.
Identifiers: ClinVar variation 2430530 (VCV002430530.1), dbSNP rs757064188, ClinGen allele CA361986228.